The following is an entry in ClinVar:

ClinVar aggregate classification (germline): Uncertain significance (1 of 4 stars; one submission).

Conditions:
Autosomal dominant hypocalcemia 1 (HYPOC1). Also called: HYPOCALCEMIA, FAMILIAL. Identifiers: MedGen C3715128, MONDO:0011013, OMIM 601198.
Familial hypocalciuric hypercalcemia (FHH). Also called: Familial benign hypercalcemia. Identifiers: Orphanet 405, MedGen C1809471, MONDO:0018458.

Allele frequency attached by ClinVar (database versions not stated): gnomAD exomes below 0.00001.
gnomAD v4.1: 5 of 1,614,186 alleles (0.00031%); highest among the groups gnomAD compares: Non-Finnish European, 0.00034%; no homozygotes.

Submission:

Labcorp Genetics (formerly Invitae), Labcorp
Classification: Uncertain significance for Familial hypocalciuric hypercalcemia; Autosomal dominant hypocalcemia 1. Last evaluated: 2025-04-23. Review status: criteria provided, single submitter. Criteria: Invitae Variant Classification Sherloc (09022015). Collection method: clinical testing. Allele origin: germline.
Comment: This sequence change replaces proline, which is neutral and non-polar, with threonine, which is neutral and polar, at codon 982 of the CASR protein (p.Pro982Thr). The frequency data for this variant in the population databases is considered unreliable, as metrics indicate poor data quality at this position in the gnomAD database. This variant has not been reported in the literature in individuals affected with CASR-related conditions. ClinVar contains an entry for this variant (Variation ID: 943723). An algorithm developed to predict the effect of missense changes on protein structure and function (PolyPhen-2) suggests that this variant is likely to be tolerated. In summary, the available evidence is currently insufficient to determine the role of this variant in disease. Therefore, it has been classified as a Variant of Uncertain Significance.

NM_000388.4(CASR):c.2944C>A (p.Pro982Thr)

Gene: CASR (calcium sensing receptor; plus strand). Cytogenetic location: 3q21.1.
Variant type: single nucleotide variant.
Coding change: c.2944C>A on transcript NM_000388.4 (MANE Select); coding-DNA position 2944, C replaced by A.
Protein change: p.Pro982Thr; replaces proline 982 with threonine.
Molecular consequence: missense variant.
Genome position (GRCh38, 1-based): chr3:122,284,898, C>A. VCF-style: chr3-122284898-C-A. GRCh37 (hg19) VCF-style: chr3-122003745-C-A.
Other names: c.2974C>A, p.Pro992Thr (NM_001178065.2); short protein forms P982T, P992T.
Identifiers: ClinVar variation 943723 (VCV000943723.10), dbSNP rs387907395, ClinGen allele CA354161113.
Genomic context (GRCh38, chr3:122,284,898, plus strand): 5'-TGCAAGCAGAAGGTCATCTTTGGCAGCGGCACGGTCACCTTCTCACTGAGCTTTGATGAG[C>A]CTCAGAAGAACGCCATGGCCCACAGGAATTCTACGCACCAGAACTCCCTGGAGGCCCAGA-3'
Protein context (NP_000379.3, residues 972-992): TVTFSLSFDE[Pro982Thr]QKNAMAHRNS